The following is an entry in ClinVar:

ClinVar aggregate classification (germline): Conflicting classifications of pathogenicity. Review status: criteria provided, conflicting classifications (1 of 4 stars). 5 submissions from 5 submitters: Uncertain significance (1); Likely benign (4). Last evaluated 2026-01-12.

Conditions:
Cardiovascular phenotype. Identifiers: MedGen CN230736.
LIPA-related disorder. Also called: LIPA-related condition; LIPA-related disorders.
Wolman disease (WOLD). Also called: Infantile-Onset LAL-D (Wolman Disease); Wolman disease with hypolipoproteinemia and acanthocytosis; LYSOSOMAL ACID LIPASE DEFICIENCY, ACUTE INFANTILE; LYSOSOMAL ACID LIPASE DEFICIENCY, COMPLETE; LIPA DEFICIENCY, COMPLETE; LAL DEFICIENCY, COMPLETE. Identifiers: Orphanet 75233, MedGen C0043208, MONDO:0019148, OMIM 620151.

Allele frequency attached by ClinVar (database versions not stated): gnomAD exomes 0.00001 and 0.00002; ExAC 0.00002; TOPMed 0.00005; ESP Exome Variant Server 0.00008; gnomAD 0.00008 and 0.00009.
gnomAD v4.1: 25 of 1,613,638 alleles (0.0015%); highest among the groups gnomAD compares: African/African-American, 0.029%; no homozygotes.

Submissions (5):

PreventionGenetics, part of Exact Sciences
Classification: Likely benign for LIPA-related condition. Last evaluated: 2026-01-12. Review status: criteria provided, single submitter. Criteria: ACMG Guidelines, 2015. Collection method: clinical testing. Allele origin: germline.
Comment: This variant is classified as likely benign based on ACMG/AMP sequence variant interpretation guidelines (Richards et al. 2015 PMID: 25741868, with internal and published modifications).

Labcorp Genetics (formerly Invitae), Labcorp
Classification: Likely benign for Wolman disease. Last evaluated: 2025-06-13. Review status: criteria provided, single submitter. Criteria: Invitae Variant Classification Sherloc (09022015). Collection method: clinical testing. Allele origin: germline.

Blueprint Genetics
Classification: Likely benign. Last evaluated: 2023-01-11. Review status: criteria provided, single submitter. Criteria: ACMG Guidelines, 2015. Collection method: clinical testing. Allele origin: germline.

Ambry Genetics
Classification: Likely benign for Cardiovascular phenotype. Last evaluated: 2021-02-17. Review status: criteria provided, single submitter. Criteria: Ambry Variant Classification Scheme 2023. Collection method: clinical testing. Allele origin: germline.

Eurofins Ntd Llc (ga)
Classification: Uncertain significance. Last evaluated: 2018-03-06. Review status: criteria provided, single submitter. Criteria: EGL ClinVar v180209 classification definitions. Collection method: clinical testing. Allele origin: germline. Observed: 1 variant allele, 1 heterozygote.

NM_000235.4(LIPA):c.483T>C (p.Asn161=)

Gene: LIPA (lipase A, lysosomal acid type; minus strand). Cytogenetic location: 10q23.31.
Variant type: single nucleotide variant.
Coding change: c.483T>C on transcript NM_000235.4 (MANE Select); coding-DNA position 483, T replaced by C.
Protein change: p.Asn161=; no amino-acid change (asparagine 161 retained).
Molecular consequence: synonymous variant.
Genome position (GRCh38, 1-based): chr10:89,226,950, A>G on the plus strand (T>C on the coding strand, the complement: LIPA is on the minus strand). VCF-style: chr10-89226950-A-G. GRCh37 (hg19) VCF-style: chr10-90986707-A-G.
Other names: c.483T>C, p.Asn161= (NM_001127605.3); c.135T>C, p.Asn45= (NM_001288979.2).
Identifiers: ClinVar variation 596346 (VCV000596346.20), dbSNP rs369755163, ClinGen allele CA5593712.